The following is an entry in ClinVar:

ClinVar aggregate classification (germline): Uncertain significance. Review status: criteria provided, multiple submitters, no conflicts (2 of 4 stars). 3 submissions from 3 submitters: Uncertain significance (3). Last evaluated 2025-08-04.

Conditions:
Ocular cystinosis. Also called: Non-Nephropathic Cystinosis; Non-Nephropathic (Ocular) Cystinosis. Identifiers: Orphanet 213, Orphanet 411641, MedGen C2931013, MONDO:0009064, OMIM 219750.
Nephropathic cystinosis (CTNS). Also called: CYSTINOSIN, DEFECT OF; LYSOSOMAL CYSTINE TRANSPORT PROTEIN, DEFECT OF; Abderhalden Lignac Kaufmann disease; Abderhalden-Kaufmann-Lignac syndrome. Identifiers: Orphanet 213, Orphanet 411629, MedGen C2931187, MONDO:0100151, OMIM 219800.
Juvenile nephropathic cystinosis. Also called: Intermediate Cystinosis; CYSTINOSIS, LATE-ONSET JUVENILE OR ADOLESCENT NEPHROPATHIC TYPE; Later-Onset (Juvenile) Cystinosis. Identifiers: Orphanet 213, Orphanet 411634, MedGen C0268626, MONDO:0009066, OMIM 219900.
Inborn genetic diseases. Identifiers: MedGen C0950123, MeSH D030342.

Allele frequency attached by ClinVar (database versions not stated): gnomAD exomes 0.00001; 1000 Genomes Project 30x 0.00016; 1000 Genomes Project 0.00020; ExAC 0.00003; gnomAD 0.00005; TOPMed 0.00008.

Submissions (3):

Labcorp Genetics (formerly Invitae), Labcorp
Classification: Uncertain significance for Inborn genetic diseases; Ocular cystinosis; Juvenile nephropathic cystinosis. Last evaluated: 2025-08-04. Review status: criteria provided, single submitter. Criteria: Invitae Variant Classification Sherloc (09022015). Collection method: clinical testing. Allele origin: germline.
Comment: This sequence change replaces isoleucine, which is neutral and non-polar, with valine, which is neutral and non-polar, at codon 8 of the CTNS protein (p.Ile8Val). This variant is present in population databases (rs547987979, gnomAD 0.03%). This variant has not been reported in the literature in individuals affected with CTNS-related conditions. ClinVar contains an entry for this variant (Variation ID: 2049001). Invitae Evidence Modeling of protein sequence and biophysical properties (such as structural, functional, and spatial information, amino acid conservation, physicochemical variation, residue mobility, and thermodynamic stability) indicates that this missense variant is not expected to disrupt CTNS protein function with a negative predictive value of 95%. In summary, the available evidence is currently insufficient to determine the role of this variant in disease. Therefore, it has been classified as a Variant of Uncertain Significance.

Ambry Genetics
Classification: Uncertain significance for Inborn genetic diseases. Last evaluated: 2025-03-25. Review status: criteria provided, single submitter. Criteria: Ambry Variant Classification Scheme 2023. Collection method: clinical testing. Allele origin: germline.

Fulgent Genetics
Classification: Uncertain significance for Ocular cystinosis; Nephropathic cystinosis; Juvenile nephropathic cystinosis. Last evaluated: 2024-01-25. Review status: criteria provided, single submitter. Criteria: ACMG Guidelines, 2015. Collection method: clinical testing. Allele origin: germline.

NM_004937.3(CTNS):c.22A>G (p.Ile8Val)

Gene: CTNS (cystinosin, lysosomal cystine transporter; plus strand). Cytogenetic location: 17p13.2.
Variant type: single nucleotide variant.
Coding change: c.22A>G on transcript NM_004937.3 (MANE Select); coding-DNA position 22, A replaced by G.
Protein change: p.Ile8Val; replaces isoleucine 8 with valine.
Molecular consequence: missense variant. On other transcripts: 5 prime UTR variant (2), intron variant (2).
Genome position (GRCh38, 1-based): chr17:3,640,228, A>G. VCF-style: chr17-3640228-A-G. GRCh37 (hg19) VCF-style: chr17-3543522-A-G.
Other names: c.22A>G (NM_004937.2); c.22A>G, p.Ile8Val (NM_001031681.3, NM_001374492.1); c.-335A>G (NM_001374493.1); c.-256A>G (NM_001374495.1); c.-381+2912A>G (NM_001374494.1); c.-296+2912A>G (NM_001374496.1); short protein forms I8V.
Identifiers: ClinVar variation 2049001 (VCV002049001.4), dbSNP rs547987979, ClinGen allele CA8291519.